The following is an entry in ClinVar:

NM_001378454.1(ALMS1):c.5258C>T (p.Thr1753Ile)

Gene: ALMS1 (ALMS1 centrosome and basal body associated protein; plus strand). Cytogenetic location: 2p13.1.
Variant type: single nucleotide variant.
Coding change: c.5258C>T on transcript NM_001378454.1 (MANE Select); coding-DNA position 5258, C replaced by T.
Protein change: p.Thr1753Ile; replaces threonine 1753 with isoleucine.
Molecular consequence: missense variant.
Genome position (GRCh38, 1-based): chr2:73,451,785, C>T. VCF-style: chr2-73451785-C-T. GRCh37 (hg19) VCF-style: chr2-73678912-C-T.
Other names: c.5261C>T, p.Thr1754Ile (NM_015120.4); short protein forms T1753I, T1754I.
Identifiers: ClinVar variation 1402651 (VCV001402651.5), dbSNP rs954287768, ClinGen allele CA50396517.
Genomic context (GRCh38, chr2:73,451,785, plus strand): 5'-AAGAAGCTCTGAAAGTTTCAGCTGTTCCTCAACCAGCTGACCAGAAGACTGGGTTATCTA[C>T]TGTAACTTCCTCTTTCTATTCACATACAGAGAAGCCTAATATTTCTTACCAGCAAGAGTT-3'
Protein context (NP_001365383.1, residues 1743-1763): QPADQKTGLS[Thr1753Ile]VTSSFYSHTE

ClinVar aggregate classification (germline): Uncertain significance (1 of 4 stars; one submission).

Conditions:
Alstrom syndrome (ALMS). Identifiers: Orphanet 64, MedGen C0268425, MONDO:0008763, OMIM 203800.

Allele frequency attached by ClinVar (database versions not stated): gnomAD 0.00001; TOPMed 0.00002.
gnomAD v4.1: 1 of 1,613,626 alleles (0.000062%); highest among the groups gnomAD compares: African/African-American, 0.0013%; no homozygotes.

Submission:

Labcorp Genetics (formerly Invitae), Labcorp
Classification: Uncertain significance for Alstrom syndrome. Last evaluated: 2025-09-15. Review status: criteria provided, single submitter. Criteria: Invitae Variant Classification Sherloc (09022015). Collection method: clinical testing. Allele origin: germline.
Comment: This sequence change replaces threonine, which is neutral and polar, with isoleucine, which is neutral and non-polar, at codon 1754 of the ALMS1 protein (p.Thr1754Ile). This variant is present in population databases (no rsID available, gnomAD 0.01%). This variant has not been reported in the literature in individuals affected with ALMS1-related conditions. ClinVar contains an entry for this variant (Variation ID: 1402651). Experimental studies and prediction algorithms are not available or were not evaluated, and the functional significance of this variant is currently unknown. In summary, the available evidence is currently insufficient to determine the role of this variant in disease. Therefore, it has been classified as a Variant of Uncertain Significance.